The following is an entry in ClinVar:

NM_006231.4(POLE):c.4648A>G (p.Lys1550Glu)

Gene: POLE (DNA polymerase epsilon, catalytic subunit; minus strand). Cytogenetic location: 12q24.33.
Variant type: single nucleotide variant.
Coding change: c.4648A>G on transcript NM_006231.4 (MANE Select); coding-DNA position 4648, A replaced by G.
Protein change: p.Lys1550Glu; replaces lysine 1550 with glutamic acid.
Molecular consequence: missense variant.
Genome position (GRCh38, 1-based): chr12:132,642,900, T>C on the plus strand (A>G on the coding strand, the complement: POLE is on the minus strand). VCF-style: chr12-132642900-T-C. GRCh37 (hg19) VCF-style: chr12-133219486-T-C.
Other names: short protein forms K1550E.
Identifiers: ClinVar variation 1026134 (VCV001026134.8), dbSNP rs2042183465, ClinGen allele CA387379017.

ClinVar aggregate classification (germline): Uncertain significance (1 of 4 stars; one submission).

Submission:

Labcorp Genetics (formerly Invitae), Labcorp
Classification: Uncertain significance. Last evaluated: 2021-06-05. Review status: criteria provided, single submitter. Criteria: Invitae Variant Classification Sherloc (09022015). Collection method: clinical testing. Allele origin: germline.
Comment: This sequence change replaces lysine with glutamic acid at codon 1550 of the POLE protein (p.Lys1550Glu). The lysine residue is moderately conserved and there is a small physicochemical difference between lysine and glutamic acid. This variant is not present in population databases (ExAC no frequency). This variant has not been reported in the literature in individuals with POLE-related disease. Algorithms developed to predict the effect of missense changes on protein structure and function (SIFT, PolyPhen-2, Align-GVGD) all suggest that this variant is likely to be tolerated, but these predictions have not been confirmed by published functional studies and their clinical significance is uncertain. In summary, the available evidence is currently insufficient to determine the role of this variant in disease. Therefore, it has been classified as a Variant of Uncertain Significance.